The following is an entry in ClinVar:

ClinVar aggregate classification (germline): Uncertain significance. Review status: criteria provided, multiple submitters, no conflicts (2 of 4 stars). 4 submissions from 4 submitters: Uncertain significance (4). Last evaluated 2025-06-25.

Conditions:
Inborn genetic diseases. Identifiers: MedGen C0950123, MeSH D030342.
Peroxisome biogenesis disorder 5A (Zellweger) (PBD5A). Identifiers: Orphanet 912, MedGen C3553940, MONDO:0013932, OMIM 614866.

Allele frequency attached by ClinVar (database versions not stated): gnomAD below 0.00001 and 0.00001; ExAC 0.00002; gnomAD exomes 0.00002 and 0.00004; 1000 Genomes Project 30x 0.00016; 1000 Genomes Project 0.00020.
gnomAD v4.1: 38 of 1,614,140 alleles (0.0024%); highest among the groups gnomAD compares: South Asian, 0.04%; 1 homozygote.

Submissions (4):

Labcorp Genetics (formerly Invitae), Labcorp
Classification: Uncertain significance for Peroxisome biogenesis disorder 5A (Zellweger). Last evaluated: 2025-06-25. Review status: criteria provided, single submitter. Criteria: Invitae Variant Classification Sherloc (09022015). Collection method: clinical testing. Allele origin: germline.
Comment: This sequence change replaces asparagine, which is neutral and polar, with histidine, which is basic and polar, at codon 7 of the PEX2 protein (p.Asn7His). This variant is present in population databases (rs576066189, gnomAD 0.03%). This variant has not been reported in the literature in individuals affected with PEX2-related conditions. ClinVar contains an entry for this variant (Variation ID: 288984). An algorithm developed to predict the effect of missense changes on protein structure and function (PolyPhen-2) suggests that this variant is likely to be tolerated. In summary, the available evidence is currently insufficient to determine the role of this variant in disease. Therefore, it has been classified as a Variant of Uncertain Significance.

Ambry Genetics
Classification: Uncertain significance for Inborn genetic diseases. Last evaluated: 2023-04-05. Review status: criteria provided, single submitter. Criteria: Ambry Variant Classification Scheme 2023. Collection method: clinical testing. Allele origin: germline.

Revvity Omics, Revvity
Classification: Uncertain significance. Last evaluated: 2019-09-01. Review status: criteria provided, single submitter. Criteria: ACMG Guidelines, 2015. Collection method: clinical testing. Allele origin: germline.

Eurofins Ntd Llc (ga)
Classification: Uncertain significance. Last evaluated: 2016-06-23. Review status: criteria provided, single submitter. Criteria: EGL Classification Definitions 2015. Collection method: clinical testing. Allele origin: germline. Observed: 1 variant allele, 1 heterozygote.

NM_000318.3(PEX2):c.19A>C (p.Asn7His)

Gene: PEX2 (peroxisomal biogenesis factor 2; minus strand). Cytogenetic location: 8q21.13.
Variant type: single nucleotide variant.
Coding change: c.19A>C on transcript NM_000318.3 (MANE Select); coding-DNA position 19, A replaced by C.
Protein change: p.Asn7His; replaces asparagine 7 with histidine.
Molecular consequence: missense variant.
Genome position (GRCh38, 1-based): chr8:76,984,160, T>G on the plus strand (A>C on the coding strand, the complement: PEX2 is on the minus strand). VCF-style: chr8-76984160-T-G. GRCh37 (hg19) VCF-style: chr8-77896396-T-G.
Other names: c.19A>C, p.Asn7His (NM_001079867.2, NM_001172086.2, NM_001172087.2); c.19A>C (NM_000318.2); short protein forms N7H.
Identifiers: ClinVar variation 288984 (VCV000288984.12), dbSNP rs576066189, ClinGen allele CA4788783.
Genomic context (GRCh38, chr8:76,984,160, plus strand): 5'-TGTTTAGTTCAAGTGCATCCAACTGGCTTATTCTTAGCACTCTGTTTGCACTCTTCGCAT[T>G]CTCTTTTCTGGAAGCCATGTCTTCTCTGAAGGTCTCTAGGAAAAAATACAATTGAAGAAC-3'
Protein context (NP_000309.2, residues 1-17): MASRKE[Asn7His]AKSANRVLRI